The following is an entry in ClinVar:

NM_003737.4(DCHS1):c.1853G>T (p.Gly618Val)

Gene: DCHS1 (dachsous cadherin-related 1; minus strand). Cytogenetic location: 11p15.4.
Variant type: single nucleotide variant.
Coding change: c.1853G>T on transcript NM_003737.4 (MANE Select); coding-DNA position 1853, G replaced by T.
Protein change: p.Gly618Val; replaces glycine 618 with valine.
Molecular consequence: missense variant.
Genome position (GRCh38, 1-based): chr11:6,634,251, C>A on the plus strand (G>T on the coding strand, the complement: DCHS1 is on the minus strand). VCF-style: chr11-6634251-C-A. GRCh37 (hg19) VCF-style: chr11-6655482-C-A.
Other names: short protein forms G618V.
Identifiers: ClinVar variation 3634157 (VCV003634157.2).

ClinVar aggregate classification (germline): Uncertain significance (1 of 4 stars; one submission).

gnomAD v4.1: 1 of 1,613,574 alleles (0.000062%); highest among the groups gnomAD compares: Admixed American, 0.0017%; no homozygotes.

Submission:

Labcorp Genetics (formerly Invitae), Labcorp
Classification: Uncertain significance. Last evaluated: 2024-06-24. Review status: criteria provided, single submitter. Criteria: Invitae Variant Classification Sherloc (09022015). Collection method: clinical testing. Allele origin: germline.
Comment: This sequence change replaces glycine, which is neutral and non-polar, with valine, which is neutral and non-polar, at codon 618 of the DCHS1 protein (p.Gly618Val). This variant is not present in population databases (gnomAD no frequency). This variant has not been reported in the literature in individuals affected with DCHS1-related conditions. Advanced modeling of protein sequence and biophysical properties (such as structural, functional, and spatial information, amino acid conservation, physicochemical variation, residue mobility, and thermodynamic stability) performed at Invitae indicates that this missense variant is not expected to disrupt DCHS1 protein function with a negative predictive value of 95%. In summary, the available evidence is currently insufficient to determine the role of this variant in disease. Therefore, it has been classified as a Variant of Uncertain Significance.